The following is an entry in ClinVar:

ClinVar aggregate classification (germline): Conflicting classifications of pathogenicity. Review status: criteria provided, conflicting classifications (1 of 4 stars). 4 submissions from 4 submitters: Likely pathogenic (3); Uncertain significance (1). Last evaluated 2025-07-01.

Conditions:
Brachydactyly type A1. Also called: FARABEE-TYPE BRACHYDACTYLY; SHORT STATURE WITH NONSPECIFIC SKELETAL ABNORMALITIES 2. Identifiers: Orphanet 93388, MedGen C1862151, MONDO:0007215, OMIM 112500, HP:0009371.

Submissions (4):

GeneDx
Classification: Likely pathogenic. Last evaluated: 2025-07-01. Review status: criteria provided, single submitter. Criteria: GeneDx Variant Classification Process June 2021. Collection method: clinical testing. Allele origin: germline.
Comment: Published functional studies suggest p.(R149H) is associated with a significant decrease in secreted IHH and intracellular levels of cleaved IHH (PMID: 38917024); Not observed at significant frequency in large population cohorts (gnomAD); In silico analysis supports that this missense variant has a deleterious effect on protein structure/function; This variant is associated with the following publications: (PMID: 29155992, 32311039, 38917024, 30602027)

Labcorp Genetics (formerly Invitae), Labcorp
Classification: Uncertain significance. Last evaluated: 2025-04-22. Review status: criteria provided, single submitter. Criteria: Invitae Variant Classification Sherloc (09022015). Collection method: clinical testing. Allele origin: germline.
Comment: This sequence change replaces arginine, which is basic and polar, with histidine, which is basic and polar, at codon 149 of the IHH protein (p.Arg149His). This variant is not present in population databases (gnomAD no frequency). This missense change has been observed in individuals with autosomal dominant brachydactyly (PMID: 29155992, 30602027, 32311039). ClinVar contains an entry for this variant (Variation ID: 3340483). Invitae Evidence Modeling of protein sequence and biophysical properties (such as structural, functional, and spatial information, amino acid conservation, physicochemical variation, residue mobility, and thermodynamic stability) indicates that this missense variant is expected to disrupt IHH protein function with a positive predictive value of 80%. In summary, the available evidence is currently insufficient to determine the role of this variant in disease. Therefore, it has been classified as a Variant of Uncertain Significance.

Servicio Canario de Salud, Hospital Universitario Nuestra Sra. de Candelaria
Classification: Likely pathogenic for Brachydactyly type A1. Last evaluated: 2024-09-20. Review status: criteria provided, single submitter. Criteria: ACMG Guidelines, 2015. Collection method: clinical testing. Allele origin: maternal. Inheritance: Autosomal dominant inheritance. Affected: yes. Observed: 1 heterozygote.
Comment: The c.446G>A; p.(Arg149His) IHH variant has been reported in our laboratory in three independent children with a clinical diagnosis of skeletal dysplasia (short stature, brachydactylya, limb shortering, short phalanges with broad base). This variant has never been reported in IHH related-disorders. This variant was absent from large population studies (gnomAD no frequency). In summary, the available evidence for c.446G>A; p.(Arg149His) IHH variant meets our criteria to be classified as Likely Pathogenic based upon its absence from controls and the clinical correlation in this three patients´ phenotype.

Kasturba Medical College, Manipal, Kasturba Medical College, Manipal, Manipal Academy of Higher Education, Manipal, India
Classification: Likely pathogenic for Brachydactyly type A1. Review status: criteria provided, single submitter. Criteria: ACMG Guidelines, 2015. Collection method: research. Allele origin: paternal. Inheritance: Autosomal dominant inheritance. Affected: yes. Observed: 1 heterozygote.
Comment: This variant is absent in gnomAD (v4.1.0) population database and in our in-house data of 3659 exomes.

Literature cited by the submitters: PubMed 29155992 (cited by Labcorp Genetics (formerly Invitae), Labcorp); PubMed 30602027 (cited by Labcorp Genetics (formerly Invitae), Labcorp); PubMed 32311039 (cited by Labcorp Genetics (formerly Invitae), Labcorp and Kasturba Medical College, Manipal, Kasturba Medical College, Manipal, Manipal Academy of Higher Education, Manipal, India).

NM_002181.4(IHH):c.446G>A (p.Arg149His)

Gene: IHH (Indian hedgehog signaling molecule; minus strand). Cytogenetic location: 2q35.
Variant type: single nucleotide variant.
Coding change: c.446G>A on transcript NM_002181.4 (MANE Select); coding-DNA position 446, G replaced by A.
Protein change: p.Arg149His; replaces arginine 149 with histidine.
Molecular consequence: missense variant.
Genome position (GRCh38, 1-based): chr2:219,057,564, C>T on the plus strand (G>A on the coding strand, the complement: IHH is on the minus strand). VCF-style: chr2-219057564-C-T. GRCh37 (hg19) VCF-style: chr2-219922286-C-T.
Other names: c.446G>A (NM_002181.3); short protein forms R149H.
Identifiers: ClinVar variation 3340483 (VCV003340483.7).